The following continues an entry in ClinVar:

NM_007294.4(BRCA1):c.3700_3704del (p.Val1234fs)

ClinVar aggregate classification (germline): Pathogenic. Pathogenic (1).

Submissions 23 to 36 of 47:

GeneDx
Classification: Pathogenic. Last evaluated: 2021-11-17. Review status: criteria provided, single submitter. Criteria: GeneDx Variant Classification Process June 2021. Collection method: clinical testing. Allele origin: germline. Affected: yes. Not counted in ClinVar's aggregate classification.
Comment: Frameshift variant predicted to result in protein truncation or nonsense mediated decay in a gene for which loss-of-function is a known mechanism of disease; Observed in individuals with Hereditary Breast and Ovarian Cancer syndrome and described as a recurrent variant in Eastern European individuals (Foretova 2004, Foretova 2010, Schneegans 2012, de Juan Jimenez 2013, Ratajska 2015); Not observed at significant frequency in large population cohorts (Lek 2016); Truncating variants in this gene are considered pathogenic by a well-established clinical consortium and/or database; Also known as 3695_3699delGTAAA, 3819_3823delGTAAA, and 3819del5; This variant is associated with the following publications: (PMID: 26843898, 25452441, 21324516, 7606717, 21503673, 22535016, 26083025, 10952777, 23479189, 15024741, 21348412, 27167707, 28205045, 25366421, 22160602, 27836010, 24171766, 29339979, 29335924, 28324225, 30322717, 31159747, 18097605, 30702160, 30078507, 31528241, 32719484, 32846166, 32341426, 31742824, 32295079, 34011307)

Institute for Clinical Genetics, University Hospital TU Dresden, University Hospital TU Dresden
Classification: Pathogenic. Last evaluated: 2021-11-03. Review status: criteria provided, single submitter. Criteria: ACMG Guidelines, 2015. Collection method: clinical testing. Allele origin: germline. Not counted in ClinVar's aggregate classification.

Sema4
Classification: Pathogenic for Hereditary cancer-predisposing syndrome. Last evaluated: 2021-06-16. Review status: criteria provided, single submitter. Criteria: Sema4 Curation Guidelines. Collection method: curation. Allele origin: germline. Not counted in ClinVar's aggregate classification.
Comment: The BRCA1 c.3700_3704delGTAAA (p.V1234QfsX8) variant has been reported in heterozygosity in at least 22 individuals with a personal or family history of breast and/or ovarian cancer (PMIDs: 7606717, 15024741, 18097605, 21324516, 29339979) and in 1 individual with mixed adeno-neuroendocrine carcinoma (MANEC) of small bowel (PMID 29855275) among other reports. This variant causes a frameshift at amino acid 1234 that results in premature termination 8 amino acids downstream. At this location, this is predicted to cause nonsense-mediated decay and result in an absent protein (loss of function). Loss of function variants in BRCA1 or BRCA2 are known to be pathogenic (PMID: 29446198). This variant is not reported in the population database Genome Aggregation Database (PMID: 32461654). This variant has been reported in ClinVar (Variation ID: 37542). Based on the current evidence available, this variant is interpreted as pathogenic.

Institute of Medical Genetics and Applied Genomics, University Hospital Tübingen
Classification: Pathogenic. Last evaluated: 2021-02-01. Review status: criteria provided, single submitter. Criteria: ACMG Guidelines, 2015. Collection method: clinical testing. Allele origin: germline. Inheritance: Autosomal dominant inheritance. Affected: yes. Not counted in ClinVar's aggregate classification.

GeneKor MSA
Classification: Pathogenic for Familial cancer of breast. Last evaluated: 2021-01-09. Review status: criteria provided, single submitter. Criteria: ACMG Guidelines, 2015. Collection method: clinical testing. Allele origin: germline. Affected: yes. Not counted in ClinVar's aggregate classification.
Comment: This sequence change deletes 5 nucleotides in exon 11 of BRCA1 mRNA (c.3700_3704delGTAAA), causing a frameshift at codon 1234 and the creation of a premature translation stop signal 8 amino acid residues later p.(Val1234Glnfs*8). This is expected to result in an absent or disrupted protein product. Truncating variants in BRCA1 are known to be pathogenic.This sequence change has been reported in the international literature in multiple families with Hereditary Breast and Ovarian Cancer syndrome and has been suggested to be a common BRCA1 variant in the Czech Republic (PMID: 15024741 ;22160602 ).This mutation has been described in the mutation database ClinVar (Variation ID: 37542).

Department of Molecular Diagnostics, Institute of Oncology Ljubljana
Classification: Pathogenic for Breast-ovarian cancer, familial, susceptibility to, 1. Last evaluated: 2020-04-02. Review status: criteria provided, single submitter. Criteria: ACMG Guidelines, 2015. Collection method: clinical testing. Allele origin: germline. Affected: yes. Not counted in ClinVar's aggregate classification.

Mendelics
Classification: Pathogenic for Breast-ovarian cancer, familial, susceptibility to, 1. Last evaluated: 2019-05-28. Review status: criteria provided, single submitter. Criteria: Mendelics Assertion Criteria 2017. Collection method: clinical testing. Allele origin: unknown. Not counted in ClinVar's aggregate classification.

ARUP Laboratories, Molecular Genetics and Genomics, ARUP Laboratories
Classification: Pathogenic. Last evaluated: 2019-04-26. Review status: criteria provided, single submitter. Criteria: ARUP Molecular Germline Variant Investigation Process. Collection method: clinical testing. Allele origin: germline. Not counted in ClinVar's aggregate classification.
Comment: The BRCA1 c.3700_3704del; p.Val1234fs variant (rs80357609), also known as 3819del5, is reported in the literature in multiple individuals and families affected with hereditary breast and ovarian cancer, and is described as a recurrent BRCA1 variant in Eastern European individuals (Brozek 2011, Foretova 2004, Gorski 2000, Heramb 2018, Konstantopoulou 2014, Machackova 2008, Ratajska 2008, Takahashi 1995). This variant is reported as pathogenic by multiple laboratories in ClinVar (Variation ID: 37542), and is absent from general population databases (Exome Variant Server, Genome Aggregation Database), indicating it is not a common polymorphism. This variant causes a frameshift by deleting 5 nucleotides, so it is predicted to result in a truncated protein or mRNA subject to nonsense-mediated decay. Based on available information, this variant is considered to be pathogenic. References: Brozek I et al. Prevalence of the most frequent BRCA1 mutations in Polish population. J Appl Genet. 2011 Aug;52(3):325-30. Foretova L et al. BRCA1 and BRCA2 mutations in women with familial or early-onset breast/ovarian cancer in the Czech Republic. Hum Mutat. 2004 Apr;23(4):397-8. Gorski B et al. Founder mutations in the BRCA1 gene in Polish families with breast-ovarian cancer. Am J Hum Genet. 2000 Jun;66(6):1963-8. Heramb C et al. BRCA1 and BRCA2 mutation spectrum - an update on mutation distribution in a large cancer genetics clinic in Norway. Hered Cancer Clin Pract. 2018 Jan 10;16:3. Konstantopoulou I et al. High prevalence of BRCA1 founder mutations in Greek breast/ovarian families. Clin Genet. 2014 Jan;85(1):36-42. Machackova E et al. Spectrum and characterisation of BRCA1 and BRCA2 deleterious mutations in high-risk Czech patients with breast and/or ovarian cancer. BMC Cancer. 2008 May 20;8:140. Ratajska M et al. BRCA1 and BRCA2 point mutations and large rearrangements in breast and ovarian cancer families in Northern Poland. Oncol Rep. 2008 Jan;19(1):263-8. Takahashi H et al. Mutation analysis of the BRCA1 gene in ovarian cancers. Cancer Res. 1995 Jul 15;55(14):2998-3002.

Women's Health and Genetics/Laboratory Corporation of America, LabCorp
Classification: Pathogenic for Hereditary breast ovarian cancer syndrome. Last evaluated: 2017-05-26. Review status: criteria provided, single submitter. Criteria: LabCorp Variant Classification Summary - May 2015. Collection method: clinical testing. Allele origin: germline. Not counted in ClinVar's aggregate classification.
Comment: Variant summary: The c.3700_3704delGTAAA (p.Val1234Glnfs) variant in BRCA1 gene is a frameshift change that is predicted to cause loss of normal protein function through protein truncation or nonsense-mediated mRNA decay. The variant is absent from the large control population datasets of ExAC and gnomAD (~121382 and 246014 chrs tested). The variant of interest has been reported in multiple affected individuals and was shown to segregate with the disease within the family. Multiple reputable databases/clinical laboratories and published reports cited the variant as pathogenic. Taking together, the variant was classified as Pathogenic.

Cancer Genetics and Genomics Laboratory, British Columbia Cancer Agency
Classification: Pathogenic for Hereditary breast ovarian cancer syndrome. Last evaluated: 2017-04-18. Review status: criteria provided, single submitter. Criteria: ACMG Guidelines, 2015. Collection method: clinical testing. Allele origin: germline. Study: The Canadian Open Genetics Repository (COGR). Not counted in ClinVar's aggregate classification.

Laboratory for Molecular Medicine, Mass General Brigham Personalized Medicine
Classification: Pathogenic for Hereditary breast ovarian cancer syndrome. Last evaluated: 2017-01-13. Review status: criteria provided, single submitter. Criteria: LMM Criteria. Collection method: clinical testing. Allele origin: germline. Inheritance: Autosomal dominant inheritance. Observed: 1 variant allele. Not counted in ClinVar's aggregate classification.
Comment: The p.Val1234fs variant in BRCA1 has been reported in >60 individuals with BRCA1 -associated cancers (Brozek 2011, Ratajska 2015, Breast Cancer Information Core (BIC)), and was absent from large population studies. This variant is predicted to cause a frameshift, which alters the protein?s amino acid sequence beginning at position 1234 and leads to a premature termination codon 8 amino acids downst ream. This alteration is then predicted to lead to a truncated or absent protein . Heterozygous loss of function of function of the BRCA1 gene is an established disease mechanism in hereditary breast and ovarian cancer (HBOC). In addition, this variant was classified as Pathogenic on April 22, 2016 by the ClinGen-appro ved ENIGMA expert panel (ClinVar SCV000282314.1). In summary, the p.Val1234fs va riant meets criteria to be classified as pathogenic for HBOC in an autosomal dom inant manner.

Department of Medical Genetics, Oslo University Hospital
Classification: Pathogenic for Breast-ovarian cancer, familial, susceptibility to, 1. Last evaluated: 2015-12-15. Review status: criteria provided, single submitter. Criteria: ACMG Guidelines, 2015. Collection method: clinical testing. Allele origin: germline. Affected: yes. Observed: 7 variant alleles. Not counted in ClinVar's aggregate classification.

Consortium of Investigators of Modifiers of BRCA1/2 (CIMBA), c/o University of Cambridge
Classification: Pathogenic for Breast-ovarian cancer, familial, susceptibility to, 1. Last evaluated: 2015-10-02. Review status: criteria provided, single submitter. Criteria: CIMBA Mutation Classification guidelines May 2016. Collection method: clinical testing. Allele origin: germline. Not counted in ClinVar's aggregate classification.

Clinical Genetics and Genomics, Karolinska University Hospital
Classification: Pathogenic. Last evaluated: 2014-07-15. Review status: criteria provided, single submitter. Criteria: ACMG Guidelines, 2015. Collection method: clinical testing. Allele origin: germline. Affected: yes. Observed: 1 variant allele. Not counted in ClinVar's aggregate classification.